The following is an entry in ClinVar:

ClinVar aggregate classification (germline): Pathogenic (1 of 4 stars; one submission).

Conditions:
Hereditary nonpolyposis colorectal neoplasms. Identifiers: MedGen C0009405, MeSH D003123.

Submission:

Labcorp Genetics (formerly Invitae), Labcorp
Classification: Pathogenic for Hereditary nonpolyposis colorectal neoplasms. Last evaluated: 2018-06-13. Review status: criteria provided, single submitter. Criteria: Invitae Variant Classification Sherloc (09022015). Collection method: clinical testing. Allele origin: germline.
Comment: This sequence change results in a premature translational stop signal in the MSH6 gene (p.Asn1327Glyfs*8). While this is not anticipated to result in nonsense mediated decay, it is expected to disrupt the last 34 amino acids of the MSH6 protein. This variant is not present in population databases (ExAC no frequency). For these reasons, this variant has been classified as Pathogenic. This variant has not been reported in the literature in individuals with MSH6-related disease. A different truncation (p.Leu1330Valfs*12) that lies downstream of this variant has been determined to be pathogenic (PMID: 19851887, 21155762). This suggests that disruption of this region of the MSH6 protein is causative of disease.

Literature cited by the submitters: PubMed 19851887; PubMed 21155762.

NM_000179.3(MSH6):c.3930_3978dup (p.Asn1327delinsGlySerTyrSerLysGlyThrTer)

Gene: MSH6 (mutS homolog 6; plus strand). Cytogenetic location: 2p16.3.
Variant type: Duplication.
Coding change: c.3930_3978dup on transcript NM_000179.3 (MANE Select); coding-DNA positions 3930 to 3978, 49 bases duplicated.
Protein change: p.Asn1327delinsGlySerTyrSerLysGlyThrTer.
Molecular consequence: nonsense.
Genome position (GRCh38, 1-based): chr2:47,806,580-47,806,628, 49 bases duplicated. GRCh37 (hg19): chr2:48,033,719-48,033,767.
Other names: c.3540_3588dup, p.Asn1197delinsGlySerTyrSerLysGlyThrTer (NM_001281492.2); c.3024_3072dup, p.Asn1025delinsGlySerTyrSerLysGlyThrTer (NM_001281493.2, NM_001281494.2).
Identifiers: ClinVar variation 571250 (VCV000571250.9), dbSNP rs1558394104, ClinGen allele CA891843284.